The following is an entry in ClinVar:

NM_000059.4(BRCA2):c.8948A>T (p.Asp2983Val)

Gene: BRCA2 (BRCA2 DNA repair associated; plus strand). Cytogenetic location: 13q13.1.
Variant type: single nucleotide variant.
Coding change: c.8948A>T on transcript NM_000059.4 (MANE Select); coding-DNA position 8948, A replaced by T.
Protein change: p.Asp2983Val; replaces aspartic acid 2983 with valine.
Molecular consequence: missense variant.
Genome position (GRCh38, 1-based): chr13:32,379,510, A>T. VCF-style: chr13-32379510-A-T. GRCh37 (hg19) VCF-style: chr13-32953647-A-T.
Other names: NM_000059.4(BRCA2):c.8948A>T; p.Asp2983Val; c.8948A>T (NM_000059.3); short protein forms D2983V.
Identifiers: ClinVar variation 1686523 (VCV001686523.4), dbSNP rs2137620740, ClinGen allele CA387757339.

ClinVar aggregate classification (germline): Likely benign. Review status: reviewed by expert panel (3 of 4 stars). 3 submissions from 3 submitters: Likely benign (1). 2 of the submissions do not count toward it. Last evaluated 2026-07-23.

Conditions:
BRCA2-related cancer predisposition. Identifiers: MedGen CN377758, MONDO:0700269.
Ovarian cancer. Also called: OVARIAN CANCER, SOMATIC. Identifiers: Orphanet 213500, MedGen C1140680, MONDO:0008170, OMIM 167000.

Submissions (3):

ClinGen ENIGMA BRCA1 and BRCA2 Variant Curation Expert Panel, ClinGen
Classification: Likely benign for BRCA2-related cancer predisposition. Last evaluated: 2026-07-23. Review status: reviewed by expert panel. Criteria: CSpec BRCA1/2ACMG Rules Specifications V1.2. Collection method: curation. Allele origin: germline. Inheritance: Autosomal dominant inheritance.
Comment: The c.8948A>T variant in BRCA2 is a missense variant predicted to cause substitution of Aspartic Acid by Valine at amino acid 2983 (p.(Asp2983Val)). This variant is absent from gnomAD v4.1 (read depth ≥25x in >90% samples, PM2_Supporting met). This BRCA2 missense variant is within a key functional domain and the computational predictor BayesDel (noAF) gives a score of -0.27, which is below the recommended threshold of 0.18 for predicting no impact on BRCA2 via protein change. A SpliceAI score of 0.00 predicts no impact on splicing (score threshold ≤0.1) (BP4 met). Reported by two calibrated studies to exhibit protein function similar to benign control variants (PMIDs:39779857, 39779848) (BS3 met). In summary, this variant meets the criteria to be classified as a Likely benign variant for BRCA2-related cancer predisposition based on the ACMG/AMP criteria applied as specified by the ENIGMA BRCA1/2 VCEP (PM2_Supporting, BP4, BS3).

Mendelics
Classification: Uncertain significance. Last evaluated: 2022-05-04. Review status: criteria provided, single submitter. Criteria: Mendelics Assertion Criteria 2019. Collection method: clinical testing. Allele origin: germline. Not counted in ClinVar's aggregate classification.

Laboratory of Molecular Epidemiology of Birth Defects, West China Second University Hospital, Sichuan University
Classification: Likely pathogenic for Ovarian cancer. Last evaluated: 2022-01-01. Review status: criteria provided, single submitter. Criteria: ACMG Guidelines, 2015. Collection method: clinical testing. Allele origin: germline. Affected: yes. Not counted in ClinVar's aggregate classification.